The following is an entry in ClinVar:

ClinVar aggregate classification (germline): Uncertain significance (1 of 4 stars; one submission).

Conditions:
Hypomyelination and Congenital Cataract (HLD5). Also called: hypomyelinating leukodystrophy 5. Identifiers: Orphanet 85163, MedGen C1864663, MONDO:0012514, OMIM 610532.

Allele frequency attached by ClinVar (database versions not stated): gnomAD exomes below 0.00001; TOPMed below 0.00001; gnomAD 0.00001.
gnomAD v4.1: 3 of 1,613,354 alleles (0.00019%); highest among the groups gnomAD compares: South Asian, 0.0011%; no homozygotes.

Submission:

Labcorp Genetics (formerly Invitae), Labcorp
Classification: Uncertain significance for Hypomyelination and Congenital Cataract. Last evaluated: 2022-10-24. Review status: criteria provided, single submitter. Criteria: Invitae Variant Classification Sherloc (09022015). Collection method: clinical testing. Allele origin: germline.
Comment: This sequence change replaces threonine, which is neutral and polar, with isoleucine, which is neutral and non-polar, at codon 359 of the FAM126A protein (p.Thr359Ile). This variant is present in population databases (no rsID available, gnomAD 0.003%). This variant has not been reported in the literature in individuals affected with FAM126A-related conditions. ClinVar contains an entry for this variant (Variation ID: 1432658). Algorithms developed to predict the effect of missense changes on protein structure and function (SIFT, PolyPhen-2, Align-GVGD) all suggest that this variant is likely to be tolerated. In summary, the available evidence is currently insufficient to determine the role of this variant in disease. Therefore, it has been classified as a Variant of Uncertain Significance.

NM_032581.4(HYCC1):c.1076C>T (p.Thr359Ile)

Gene: HYCC1 (hyccin PI4KA lipid kinase complex subunit 1; minus strand). Cytogenetic location: 7p15.3.
Variant type: single nucleotide variant.
Coding change: c.1076C>T on transcript NM_032581.4 (MANE Select); coding-DNA position 1076, C replaced by T.
Protein change: p.Thr359Ile; replaces threonine 359 with isoleucine.
Molecular consequence: missense variant. On other transcripts: 3 prime UTR variant (2).
Genome position (GRCh38, 1-based): chr7:22,946,079, G>A on the plus strand (C>T on the coding strand, the complement: HYCC1 is on the minus strand). VCF-style: chr7-22946079-G-A. GRCh37 (hg19) VCF-style: chr7-22985698-G-A.
Other names: c.*112C>T (NM_001363466.2); c.*70C>T (NM_001363467.2); short protein forms T359I.
Identifiers: ClinVar variation 1432658 (VCV001432658.7), dbSNP rs1430992002, ClinGen allele CA366970499.